The following is an entry in ClinVar:

NM_000478.6(ALPL):c.228G>T (p.Gln76His)

Gene: ALPL (alkaline phosphatase, biomineralization associated; plus strand). Cytogenetic location: 1p36.12.
Variant type: single nucleotide variant.
Coding change: c.228G>T on transcript NM_000478.6 (MANE Select); coding-DNA position 228, G replaced by T.
Protein change: p.Gln76His; replaces glutamine 76 with histidine.
Molecular consequence: missense variant. On other transcripts: intron variant (1).
Genome position (GRCh38, 1-based): chr1:21,561,143, G>T. VCF-style: chr1-21561143-G-T. GRCh37 (hg19) VCF-style: chr1-21887636-G-T.
Other names: c.228G>T (NM_000478.5); c.63G>T, p.Gln21His (NM_001127501.4); c.228G>T, p.Gln76His (NM_001369803.2, NM_001369804.2, NM_001369805.2); c.66+398G>T (NM_001177520.3); short protein forms Q21H, Q76H.
Identifiers: ClinVar variation 3768270 (VCV003768270.3).

ClinVar aggregate classification (germline): Likely pathogenic. Review status: criteria provided, multiple submitters, no conflicts (2 of 4 stars). 3 submissions from 3 submitters: Likely pathogenic (3). Last evaluated 2025-08-29.

Conditions:
Hypophosphatasia. Also called: Phosphoethanol-aminuria. Identifiers: Orphanet 436, MedGen C0020630, MeSH D007014, MONDO:0018570.

Submissions (3):

Genomenon, Inc
Classification: Likely pathogenic for Hypophosphatasia. Last evaluated: 2025-08-29. Review status: criteria provided, single submitter. Criteria: Genomenon Sequence Variant Interpretation Standards. Collection method: curation. Allele origin: germline. Affected: yes.
Comment: ALPL c.228G>T is a missense variant that changes the amino acid at residue 76 from Glutamine to Histidine. This variant has been observed in at least one proband affected with hypophosphatasia (PMID:36361766;30138938). It is absent or not present at a significant frequency in gnomAD. In silico models agree that this variant is possibly or probably damaging. In conclusion, we classify ALPL p.Gln76His (c.228G>T) as a likely pathogenic variant.

Natera, Inc.
Classification: Likely pathogenic for Hypophosphatasia. Last evaluated: 2025-05-02. Review status: criteria provided, single submitter. Criteria: Natera Variant Classification Schema (03/2026). Collection method: clinical testing. Allele origin: germline.
Comment: The c.228G>T variant in ALPL is a missense variant predicted to cause substitution of glutamine to histidine at amino acid 76. This variant is rare in the general population with a frequency below the threshold expected for the associated phenotype(s). This variant has been observed in one or more individuals affected with the associated recessive disease, as either homozygous or compound heterozygous with a second variant (PMID: 36361766, 30138938). A different variant at the same position has been determined to be Pathogenic or Likely Pathogenic. Computational prediction algorithms indicate this variant is likely to affect gene or protein function. Given the available evidence, this variant is classified as Likely Pathogenic.

Women's Health and Genetics/Laboratory Corporation of America, LabCorp
Classification: Likely pathogenic for Hypophosphatasia. Last evaluated: 2024-12-04. Review status: criteria provided, single submitter. Criteria: LabCorp Variant Classification Summary - May 2015. Collection method: clinical testing. Allele origin: germline.
Comment: Variant summary: ALPL c.228G>T (p.Gln76His) results in a non-conservative amino acid change located in the Alkaline Phosphatase, subunit A domain (IPR017850) of the encoded protein sequence. Five of five in-silico tools predict a damaging effect of the variant on protein function. The frequency data for this variant in gnomAD is considered unreliable, as metrics indicate poor data quality at this position. c.228G>T has been reported in the literature in the compound heterozygous state in at least 2 individuals affected with autosomal recessive Hypophosphatasia (example, Glotov_2022, Huang_2018). These data indicate that the variant may be associated with disease. A different variant affecting the same codon has been classified as pathogenic in ClinVar (c.227A>G, p.Gln76Arg), supporting the critical relevance of codon 76 to ALPL protein function. To our knowledge, no experimental evidence demonstrating an impact on protein function has been reported. The following publications have been ascertained in the context of this evaluation (PMID: 36361766, 30138938). No submitters have cited clinical-significance assessments for this variant to ClinVar. Based on the evidence outlined above, the variant was classified as likely pathogenic.

Literature cited by the submitters: PubMed 36361766 (cited by 3 submitters); PubMed 30138938 (cited by 3 submitters).